The following is an entry in ClinVar:

NM_000186.4(CFH):c.2572T>A (p.Trp858Arg)

Gene: CFH (complement factor H; plus strand). Cytogenetic location: 1q31.3.
Variant type: single nucleotide variant.
Coding change: c.2572T>A on transcript NM_000186.4 (MANE Select); coding-DNA position 2572, T replaced by A.
Protein change: p.Trp858Arg; replaces tryptophan 858 with arginine.
Molecular consequence: missense variant.
Genome position (GRCh38, 1-based): chr1:196,736,982, T>A. VCF-style: chr1-196736982-T-A. GRCh37 (hg19) VCF-style: chr1-196706112-T-A.
Other names: short protein forms W858R.
Identifiers: ClinVar variation 4291490 (VCV004291490.3).

ClinVar aggregate classification (germline): Likely pathogenic (1 of 4 stars; one submission).

Conditions:
Atypical hemolytic-uremic syndrome. Identifiers: Orphanet 2134, MedGen C2931788, MONDO:0016244.
Age related macular degeneration 4. Identifiers: MedGen C1853147, MONDO:0012540, OMIM 610698.
Factor H deficiency (CFHD). Also called: COMPLEMENT FACTOR H DEFICIENCY; CFH DEFICIENCY. Identifiers: Orphanet 200421, MedGen C0398777, MONDO:0012350, OMIM 609814.

Submission:

Genomenon, Inc
Classification: Likely pathogenic for Age related macular degeneration 4; Atypical hemolytic-uremic syndrome; Factor H deficiency. Last evaluated: 2026-09-17. Review status: criteria provided, single submitter. Criteria: Genomenon Sequence Variant Interpretation Standards - Updated. Collection method: curation. Allele origin: germline. Affected: yes.
Comment: CFH p.Trp858Arg (c.2572T>A) is a missense variant that changes the amino acid at codon 858 from tryptophan to arginine. This variant has been observed in at least one proband affected with a CFH-related disorder (PMID: 34508573; 34631043; 25616634; 36246952; 29888403; 26111482). The variant was found to segregate with disease in at least one affected family (PMID: 36246952). Functional studies have been reported (PMID: 34508573). It is absent or not present at a significant frequency in gnomAD. In silico models predict that this variant is possibly or probably damaging. In conclusion, we classify CFH p.Trp858Arg (c.2572T>A) as a likely pathogenic variant.

Literature cited by the submitters: PubMed 34508573; PubMed 34631043; PubMed 25616634; PubMed 36246952; PubMed 29888403; PubMed 26111482.